The following is an entry in ClinVar:

ClinVar aggregate classification (germline): Uncertain significance (1 of 4 stars; one submission).

Submission:

Labcorp Genetics (formerly Invitae), Labcorp
Classification: Uncertain significance. Last evaluated: 2022-02-23. Review status: criteria provided, single submitter. Criteria: Invitae Variant Classification Sherloc (09022015). Collection method: clinical testing. Allele origin: germline.
Comment: This sequence change replaces aspartic acid, which is acidic and polar, with valine, which is neutral and non-polar, at codon 23 of the IMPG1 protein (p.Asp23Val). This variant is not present in population databases (gnomAD no frequency). This variant has not been reported in the literature in individuals affected with IMPG1-related conditions. Algorithms developed to predict the effect of missense changes on protein structure and function are either unavailable or do not agree on the potential impact of this missense change (SIFT: "Deleterious"; PolyPhen-2: "Probably Damaging"; Align-GVGD: "Class C0"). Algorithms developed to predict the effect of sequence changes on RNA splicing suggest that this variant may disrupt the consensus splice site. In summary, the available evidence is currently insufficient to determine the role of this variant in disease. Therefore, it has been classified as a Variant of Uncertain Significance.

NM_001563.4(IMPG1):c.68A>T (p.Asp23Val)

Gene: IMPG1 (interphotoreceptor matrix proteoglycan 1; minus strand). Cytogenetic location: 6q14.1.
Variant type: single nucleotide variant.
Coding change: c.68A>T on transcript NM_001563.4 (MANE Select); coding-DNA position 68, A replaced by T.
Protein change: p.Asp23Val; replaces aspartic acid 23 with valine.
Molecular consequence: missense variant. On other transcripts: intron variant (1).
Genome position (GRCh38, 1-based): chr6:76,042,126, T>A on the plus strand (A>T on the coding strand, the complement: IMPG1 is on the minus strand). VCF-style: chr6-76042126-T-A. GRCh37 (hg19) VCF-style: chr6-76751843-T-A.
Other names: c.68-7339A>T (NM_001282368.2); short protein forms D23V.
Identifiers: ClinVar variation 2102577 (VCV002102577.4), dbSNP rs1179555360, ClinGen allele CA364830044.
Genomic context (GRCh38, chr6:76,042,126, plus strand): 5'-TCATTTCTTGGGGGATTGTCTATGTCTTTAGTTTCAGAATGGTATATGTTAATGGAGATA[T>A]CTGTAAAAGAAAGATTGATATCCTGGTGAATATATACATTTATGTGTTATATGTGACATA-3'
Protein context (NP_001554.2, residues 13-33): WIFLQVQGTK[Asp23Val]ISINIYHSET